The following is an entry in ClinVar:

ClinVar aggregate classification (germline): Conflicting classifications of pathogenicity. Review status: criteria provided, conflicting classifications (1 of 4 stars). 5 submissions from 5 submitters: Uncertain significance (1); Likely benign (2). 2 of the submissions do not count toward it. Last evaluated 2025-11-03.

Conditions:
SMARCAL1-related disorder. Also called: SMARCAL1-related condition.
Schimke immuno-osseous dysplasia (SIOD). Also called: Schimke Immunoosseous Dysplasia. Identifiers: Orphanet 1830, MedGen C0877024, MONDO:0009458, OMIM 242900.

Allele frequency attached by ClinVar (database versions not stated): gnomAD 0.00007 and 0.00009; TOPMed 0.00008; ExAC 0.00009; gnomAD exomes 0.00010; ESP Exome Variant Server 0.00023.
gnomAD v4.1: 164 of 1,614,082 alleles (0.01%); highest among the groups gnomAD compares: Non-Finnish European, 0.012%; no homozygotes.

Submissions (5):

Labcorp Genetics (formerly Invitae), Labcorp
Classification: Likely benign for Schimke immuno-osseous dysplasia. Last evaluated: 2025-11-03. Review status: criteria provided, single submitter. Criteria: Invitae Variant Classification Sherloc (09022015). Collection method: clinical testing. Allele origin: germline.

Blueprint Genetics
Classification: Likely benign. Last evaluated: 2024-10-03. Review status: criteria provided, single submitter. Criteria: ACMG Guidelines, 2015. Collection method: clinical testing. Allele origin: germline.

Eurofins Ntd Llc (ga)
Classification: Uncertain significance. Last evaluated: 2016-06-10. Review status: criteria provided, single submitter. Criteria: EGL Classification Definitions 2015. Collection method: clinical testing. Allele origin: germline. Observed: 1 variant allele, 1 heterozygote.

Natera, Inc.
Classification: Likely benign for Schimke immuno-osseous dysplasia. Last evaluated: 2019-11-11. Review status: no assertion criteria provided. Collection method: clinical testing. Allele origin: germline. Not counted in ClinVar's aggregate classification.

PreventionGenetics, part of Exact Sciences
Classification: Likely benign for SMARCAL1-related condition. Last evaluated: 2019-05-20. Review status: no assertion criteria provided. Collection method: clinical testing. Allele origin: germline. Not counted in ClinVar's aggregate classification.
Comment: This variant is classified as likely benign based on ACMG/AMP sequence variant interpretation guidelines (Richards et al. 2015 PMID: 25741868, with internal and published modifications).

NM_014140.4(SMARCAL1):c.2322G>A (p.Ser774=)

Gene: SMARCAL1 (SNF2 related chromatin remodeling annealing helicase 1; plus strand). Cytogenetic location: 2q35.
Variant type: single nucleotide variant.
Coding change: c.2322G>A on transcript NM_014140.4 (MANE Select); coding-DNA position 2322, G replaced by A.
Protein change: p.Ser774=; no amino-acid change (serine 774 retained).
Molecular consequence: synonymous variant.
Genome position (GRCh38, 1-based): chr2:216,475,346, G>A. VCF-style: chr2-216475346-G-A. GRCh37 (hg19) VCF-style: chr2-217340069-G-A.
Other names: c.2322G>A, p.Ser774= (NM_001127207.2).
Identifiers: ClinVar variation 288121 (VCV000288121.20), dbSNP rs139445683, ClinGen allele CA2098176.